The following is an entry in ClinVar:

ClinVar aggregate classification (germline): Likely benign. Review status: criteria provided, multiple submitters, no conflicts (2 of 4 stars). 3 submissions from 3 submitters: Likely benign (2). 1 of the submissions does not count toward it. Last evaluated 2025-12-09.

Conditions:
Kabuki syndrome. Also called: Kabuki make-up syndrome; NIIKAWA-KUROKI SYNDROME. Identifiers: Orphanet 2322, MedGen C0796004, MONDO:0016512.
KMT2D-related disorder. Also called: KMT2D-Related Disorders.

Allele frequency attached by ClinVar (database versions not stated): gnomAD exomes 0.00001 and 0.00002; gnomAD 0.00002; TOPMed 0.00002.
gnomAD v4.1: 24 of 1,556,612 alleles (0.0015%); highest among the groups gnomAD compares: Admixed American, 0.0019%; no homozygotes.

Submissions (3):

Labcorp Genetics (formerly Invitae), Labcorp
Classification: Likely benign for Kabuki syndrome. Last evaluated: 2025-12-09. Review status: criteria provided, single submitter. Criteria: Invitae Variant Classification Sherloc (09022015). Collection method: clinical testing. Allele origin: germline.

Blueprint Genetics
Classification: Likely benign. Last evaluated: 2024-10-28. Review status: criteria provided, single submitter. Criteria: ACMG Guidelines, 2015. Collection method: clinical testing. Allele origin: germline.

PreventionGenetics, part of Exact Sciences
Classification: Likely benign for KMT2D-related condition. Last evaluated: 2023-09-27. Review status: no assertion criteria provided. Collection method: clinical testing. Allele origin: germline. Not counted in ClinVar's aggregate classification.
Comment: This variant is classified as likely benign based on ACMG/AMP sequence variant interpretation guidelines (Richards et al. 2015 PMID: 25741868, with internal and published modifications).

NM_003482.4(KMT2D):c.14075+9G>A

Gene: KMT2D (lysine methyltransferase 2D; minus strand). Cytogenetic location: 12q13.12.
Variant type: single nucleotide variant.
Coding change: c.14075+9G>A on transcript NM_003482.4 (MANE Select); 9 bases into the intron after coding-DNA position 14075, G replaced by A.
Molecular consequence: intron variant.
Genome position (GRCh38, 1-based): chr12:49,029,392, C>T on the plus strand (G>A on the coding strand, the complement: KMT2D is on the minus strand). VCF-style: chr12-49029392-C-T. GRCh37 (hg19) VCF-style: chr12-49423175-C-T.
Other names: c.14075+9G>A (NM_003482.3).
Identifiers: ClinVar variation 1592549 (VCV001592549.11), dbSNP rs774910986, ClinGen allele CA6545837.